The following is an entry in ClinVar:

ClinVar aggregate classification (germline): Uncertain significance. Review status: criteria provided, multiple submitters, no conflicts (2 of 4 stars). 2 submissions from 2 submitters: Uncertain significance (2). Last evaluated 2024-12-22.

Conditions:
Inborn genetic diseases. Identifiers: MedGen C0950123, MeSH D030342.

gnomAD v4.1: 11 of 1,614,136 alleles (0.00068%); highest among the groups gnomAD compares: Non-Finnish European, 0.00085%; no homozygotes.

Submissions (2):

Ambry Genetics
Classification: Uncertain significance for Inborn genetic diseases. Last evaluated: 2024-12-22. Review status: criteria provided, single submitter. Criteria: Ambry Variant Classification Scheme 2023. Collection method: clinical testing. Allele origin: germline.

CeGaT Center for Human Genetics Tuebingen
Classification: Uncertain significance. Last evaluated: 2022-03-01. Review status: criteria provided, single submitter. Criteria: CeGaT Center For Human Genetics Tuebingen Variant Classification Criteria Version 2. Collection method: clinical testing. Allele origin: germline. Affected: yes. Observed: 1 variant allele.
Comment: SETBP1: PM2, BP4

NM_015559.3(SETBP1):c.3377G>T (p.Gly1126Val)

Gene: SETBP1 (SET binding protein 1; plus strand). Cytogenetic location: 18q12.3.
Variant type: single nucleotide variant.
Coding change: c.3377G>T on transcript NM_015559.3 (MANE Select); coding-DNA position 3377, G replaced by T.
Protein change: p.Gly1126Val; replaces glycine 1126 with valine.
Molecular consequence: missense variant.
Genome position (GRCh38, 1-based): chr18:44,952,717, G>T. VCF-style: chr18-44952717-G-T. GRCh37 (hg19) VCF-style: chr18-42532682-G-T.
Other names: c.3377G>T, p.Gly1126Val (NM_001379141.1, NM_001379142.1, NM_001410862.1); c.3377G>T (NM_015559.2); short protein forms G1126V.
Identifiers: ClinVar variation 2648692 (VCV002648692.25), dbSNP rs2511475750, ClinGen allele CA402324299.
Genomic context (GRCh38, chr18:44,952,717, plus strand): 5'-CAGCTAAGCATAAAGCCAAGCATGGAGTACACCTGCAGGGACCTGTTAGCATGGGCCTTG[G>T]TGACATGCAGCCTTCTCTGAACCCTCCCAAGGTAGGCAGTGCCAGTCTGTCCAGTGGTCG-3'
Protein context (NP_056374.2, residues 1116-1136): HLQGPVSMGL[Gly1126Val]DMQPSLNPPK